The following is an entry in ClinVar:

NM_006231.4(POLE):c.3276-4C>T

Gene: POLE (DNA polymerase epsilon, catalytic subunit; minus strand). Cytogenetic location: 12q24.33.
Variant type: single nucleotide variant.
Coding change: c.3276-4C>T on transcript NM_006231.4 (MANE Select); 4 bases into the intron before coding-DNA position 3276, C replaced by T.
Molecular consequence: intron variant.
Genome position (GRCh38, 1-based): chr12:132,657,974, G>A on the plus strand (C>T on the coding strand, the complement: POLE is on the minus strand). VCF-style: chr12-132657974-G-A. GRCh37 (hg19) VCF-style: chr12-133234560-G-A.
Identifiers: ClinVar variation 514575 (VCV000514575.10), dbSNP rs1555225328, ClinGen allele CA658797978.
Genomic context (GRCh38, chr12:132,657,974, plus strand): 5'-CGGAGAAAGTGCTTCCTCACCGTGGGCTCTGCTTGGAAAATGGCAAGTGGGATGGCCCTG[G>A]GTAAGGAAGACAGGCACACAGCTCAGTAACAGTGAAAATCACCCAAAATCTGATCCTAAC-3'

ClinVar aggregate classification (germline): Likely benign. Review status: criteria provided, multiple submitters, no conflicts (2 of 4 stars). 3 submissions from 3 submitters: Likely benign (3). Last evaluated 2026-03-27.

Conditions:
Hereditary cancer-predisposing syndrome. Also called: Tumor predisposition; Hereditary neoplastic syndrome; Neoplastic Syndromes, Hereditary; Hereditary Cancer Syndrome. Identifiers: Orphanet 140162, MedGen C0027672, MeSH D009386, MONDO:0015356.

Submissions (3):

Ambry Genetics
Classification: Likely benign for Hereditary cancer-predisposing syndrome. Last evaluated: 2026-03-27. Review status: criteria provided, single submitter. Criteria: Ambry Variant Classification Scheme 2023. Collection method: clinical testing. Allele origin: germline.

Labcorp Genetics (formerly Invitae), Labcorp
Classification: Likely benign. Last evaluated: 2024-07-11. Review status: criteria provided, single submitter. Criteria: Invitae Variant Classification Sherloc (09022015). Collection method: clinical testing. Allele origin: germline.

GeneDx
Classification: Likely benign. Last evaluated: 2018-01-08. Review status: criteria provided, single submitter. Criteria: GeneDx Variant Classification (06012015). Collection method: clinical testing. Allele origin: germline. Affected: yes.
Comment: This variant is considered likely benign or benign based on one or more of the following criteria: it is a conservative change, it occurs at a poorly conserved position in the protein, it is predicted to be benign by multiple in silico algorithms, and/or has population frequency not consistent with disease.